The following is an entry in ClinVar:

NM_020433.5(JPH2):c.431G>A (p.Arg144His)

Gene: JPH2 (junctophilin 2; minus strand). Cytogenetic location: 20q13.12.
Variant type: single nucleotide variant.
Coding change: c.431G>A on transcript NM_020433.5 (MANE Select); coding-DNA position 431, G replaced by A.
Protein change: p.Arg144His; replaces arginine 144 with histidine.
Molecular consequence: missense variant.
Genome position (GRCh38, 1-based): chr20:44,160,356, C>T on the plus strand (G>A on the coding strand, the complement: JPH2 is on the minus strand). VCF-style: chr20-44160356-C-T. GRCh37 (hg19) VCF-style: chr20-42788996-C-T.
Other names: short protein forms R144H.
Identifiers: ClinVar variation 1306631 (VCV001306631.4), dbSNP rs1167554487, ClinGen allele CA409094394.

ClinVar aggregate classification (germline): Uncertain significance. Review status: criteria provided, multiple submitters, no conflicts (2 of 4 stars). 2 submissions from 2 submitters: Uncertain significance (2). Last evaluated 2020-12-04.

Conditions:
Cardiovascular phenotype. Identifiers: MedGen CN230736.

Allele frequency attached by ClinVar (database versions not stated): gnomAD exomes below 0.00001.

Submissions (2):

Ambry Genetics
Classification: Uncertain significance for Cardiovascular phenotype. Last evaluated: 2020-12-04. Review status: criteria provided, single submitter. Criteria: Ambry Variant Classification Scheme 2023. Collection method: clinical testing. Allele origin: germline.
Comment: The p.R144H variant (also known as c.431G>A), located in coding exon 2 of the JPH2 gene, results from a G to A substitution at nucleotide position 431. The arginine at codon 144 is replaced by histidine, an amino acid with highly similar properties. This amino acid position is highly conserved in available vertebrate species. In addition, the in silico prediction for this alteration is inconclusive. Since supporting evidence is limited at this time, the clinical significance of this alteration remains unclear.

GeneDx
Classification: Uncertain significance. Last evaluated: 2019-06-26. Review status: criteria provided, single submitter. Criteria: GeneDx Variant Classification Process June 2021. Collection method: clinical testing. Allele origin: germline. Affected: yes.
Comment: Has not been previously published as pathogenic or benign to our knowledge; Not observed at a significant frequency in large population cohorts (Lek et al., 2016); In silico analysis, which includes protein predictors and evolutionary conservation, supports a deleterious effect